The following is an entry in ClinVar:

ClinVar aggregate classification (germline): Benign (1 of 4 stars; one submission).

Allele frequency attached by ClinVar (database versions not stated): gnomAD 0.97666 and 0.97516; TOPMed 0.97412; 1000 Genomes Project 30x 0.96752; 1000 Genomes Project 0.96985.

Submission:

GeneDx
Classification: Benign. Last evaluated: 2018-06-16. Review status: criteria provided, single submitter. Criteria: GeneDx Variant Classification (06012015). Collection method: clinical testing. Allele origin: germline. Affected: yes.
Comment: This variant is considered likely benign or benign based on one or more of the following criteria: it is a conservative change, it occurs at a poorly conserved position in the protein, it is predicted to be benign by multiple in silico algorithms, and/or has population frequency not consistent with disease.

NM_005445.3(SMC3):c.-456A>G

Gene: SMC3 (structural maintenance of chromosomes 3; plus strand). Cytogenetic location: 10q25.2.
Variant type: single nucleotide variant.
Coding change: c.-456A>G on transcript NM_005445.3; 456 bases upstream of the start codon, A replaced by G.
Genome position (GRCh38, 1-based): chr10:110,567,361, A>G. VCF-style: chr10-110567361-A-G. GRCh37 (hg19) VCF-style: chr10-112327119-A-G.
Identifiers: ClinVar variation 667614 (VCV000667614.3), dbSNP rs2900924, ClinGen allele CA13296553.